The following is an entry in ClinVar:

ClinVar aggregate classification (germline): Conflicting classifications of pathogenicity. Review status: criteria provided, conflicting classifications (1 of 4 stars). 2 submissions from 2 submitters: Uncertain significance (1); Likely benign (1). Last evaluated 2025-07-27.

Conditions:
Inborn genetic diseases. Identifiers: MedGen C0950123, MeSH D030342.

Allele frequency attached by ClinVar (database versions not stated): TOPMed 0.00004.
gnomAD v4.1: 19 of 1,608,118 alleles (0.0012%); highest among the groups gnomAD compares: Admixed American, 0.024%; no homozygotes.

Submissions (2):

Labcorp Genetics (formerly Invitae), Labcorp
Classification: Likely benign. Last evaluated: 2025-07-27. Review status: criteria provided, single submitter. Criteria: Invitae Variant Classification Sherloc (09022015). Collection method: clinical testing. Allele origin: germline.

Ambry Genetics
Classification: Uncertain significance for Inborn genetic diseases. Last evaluated: 2022-06-17. Review status: criteria provided, single submitter. Criteria: Ambry Variant Classification Scheme 2023. Collection method: clinical testing. Allele origin: germline.
Comment: The c.5638-6T>G intronic alteration consists of a T to G substitution 6 nucleotides before exon 42 of the MPDZ gene. Based on insufficient or conflicting evidence, the clinical significance of this alteration remains unclear.

NM_001378778.1(MPDZ):c.5725-6T>G

Gene: MPDZ (multiple PDZ domain crumbs cell polarity complex component; minus strand). Cytogenetic location: 9p23.
Variant type: single nucleotide variant.
Coding change: c.5725-6T>G on transcript NM_001378778.1 (MANE Select); 6 bases into the intron before coding-DNA position 5725, T replaced by G.
Molecular consequence: intron variant.
Genome position (GRCh38, 1-based): chr9:13,110,746, A>C on the plus strand (T>G on the coding strand, the complement: MPDZ is on the minus strand). VCF-style: chr9-13110746-A-C. GRCh37 (hg19) VCF-style: chr9-13110745-A-C.
Other names: c.5428-6T>G (NM_001375425.1, NM_001375426.1); c.5515-6T>G (NM_001375420.1, NM_001375423.1, NM_001375424.1 and 2 more transcripts); c.5539-6T>G (NM_001375419.1, NM_001261407.2); c.5626-6T>G (NM_001375416.1, NM_001375418.1, NM_001261406.2 and 1 more transcripts); c.5725-6T>G (NM_001330637.2); c.5317-6T>G (NM_001375427.1); c.5638-6T>G (NM_003829.5, NM_003829.3); c.5824-6T>G (NM_001375413.1).
Identifiers: ClinVar variation 748332 (VCV000748332.9), dbSNP rs757970149, ClinGen allele CA189267932.